The following is an entry in ClinVar:

ClinVar aggregate classification (germline): Benign/Likely benign. Review status: criteria provided, multiple submitters, no conflicts (2 of 4 stars). 4 submissions from 4 submitters: Benign (2); Likely benign (1). 1 of the submissions does not count toward it. Last evaluated 2026-02-03.

Conditions:
GRIN2B-related disorder. Also called: GRIN2B-related condition.
Intellectual developmental disorder, autosomal dominant 6, with or without seizures. Also called: Intellectual disability, autosomal dominant 6; GRIN2B-related developmental delay, intellectual disability and autism spectrum disorder. Identifiers: Orphanet 589547, MedGen C3151411, MONDO:0013509, OMIM 613970.
Developmental and epileptic encephalopathy, 27 (DEE27). Also called: Epileptic encephalopathy, early infantile, 27; GRIN2B-Related Neurodevelopmental Disorder. Identifiers: Orphanet 3451, MedGen C4015316, MONDO:0014505, OMIM 616139.

Allele frequency attached by ClinVar (database versions not stated): gnomAD exomes 0.00012 and 0.00028; ExAC 0.00031; 1000 Genomes Project 30x 0.00047; 1000 Genomes Project 0.00060; gnomAD 0.00064 and 0.00068; TOPMed 0.00070; ESP Exome Variant Server 0.00100.
gnomAD v4.1: 277 of 1,613,656 alleles (0.017%); highest among the groups gnomAD compares: African/African-American, 0.23%; no homozygotes.

Submissions (4):

Labcorp Genetics (formerly Invitae), Labcorp
Classification: Benign for Developmental and epileptic encephalopathy, 27; Intellectual developmental disorder, autosomal dominant 6, with or without seizures. Last evaluated: 2026-02-03. Review status: criteria provided, single submitter. Criteria: Invitae Variant Classification Sherloc (09022015). Collection method: clinical testing. Allele origin: germline.

Blueprint Genetics
Classification: Likely benign. Last evaluated: 2024-06-04. Review status: criteria provided, single submitter. Criteria: ACMG Guidelines, 2015. Collection method: clinical testing. Allele origin: germline.

GeneDx
Classification: Benign. Last evaluated: 2014-08-22. Review status: criteria provided, single submitter. Criteria: GeneDx Variant Classification (06012015). Collection method: clinical testing. Allele origin: germline. Affected: yes.
Comment: This variant is considered likely benign or benign based on one or more of the following criteria: it is a conservative change, it occurs at a poorly conserved position in the protein, it is predicted to be benign by multiple in silico algorithms, and/or has population frequency not consistent with disease.

PreventionGenetics, part of Exact Sciences
Classification: Likely benign for GRIN2B-related condition. Last evaluated: 2024-04-25. Review status: no assertion criteria provided. Collection method: clinical testing. Allele origin: germline. Not counted in ClinVar's aggregate classification.
Comment: This variant is classified as likely benign based on ACMG/AMP sequence variant interpretation guidelines (Richards et al. 2015 PMID: 25741868, with internal and published modifications).

NM_000834.5(GRIN2B):c.1780+8C>T

Gene: GRIN2B (glutamate ionotropic receptor NMDA type subunit 2B; minus strand). Cytogenetic location: 12p13.1.
Variant type: single nucleotide variant.
Coding change: c.1780+8C>T on transcript NM_000834.5 (MANE Select); 8 bases into the intron after coding-DNA position 1780, C replaced by T.
Molecular consequence: intron variant.
Genome position (GRCh38, 1-based): chr12:13,611,717, G>A on the plus strand (C>T on the coding strand, the complement: GRIN2B is on the minus strand). VCF-style: chr12-13611717-G-A. GRCh37 (hg19) VCF-style: chr12-13764651-G-A.
Identifiers: ClinVar variation 205702 (VCV000205702.15), dbSNP rs199986080, ClinGen allele CA315034.